The following is an entry in ClinVar:

ClinVar aggregate classification (germline): Uncertain significance (1 of 4 stars; one submission).

Allele frequency attached by ClinVar (database versions not stated): gnomAD exomes below 0.00001.
gnomAD v4.1: 3 of 1,612,464 alleles (0.00019%); highest among the groups gnomAD compares: Non-Finnish European, 0.000085%; no homozygotes.

Submission:

Labcorp Genetics (formerly Invitae), Labcorp
Classification: Uncertain significance. Last evaluated: 2024-08-05. Review status: criteria provided, single submitter. Criteria: Invitae Variant Classification Sherloc (09022015). Collection method: clinical testing. Allele origin: germline.
Comment: This sequence change replaces glycine, which is neutral and non-polar, with arginine, which is basic and polar, at codon 772 of the LRP2 protein (p.Gly772Arg). This variant is not present in population databases (gnomAD no frequency). This variant has not been reported in the literature in individuals affected with LRP2-related conditions. ClinVar contains an entry for this variant (Variation ID: 1477160). Advanced modeling of protein sequence and biophysical properties (such as structural, functional, and spatial information, amino acid conservation, physicochemical variation, residue mobility, and thermodynamic stability) performed at Invitae indicates that this missense variant is expected to disrupt LRP2 protein function with a positive predictive value of 80%. In summary, the available evidence is currently insufficient to determine the role of this variant in disease. Therefore, it has been classified as a Variant of Uncertain Significance.

NM_004525.3(LRP2):c.2314G>C (p.Gly772Arg)

Gene: LRP2 (LDL receptor related protein 2; minus strand). Cytogenetic location: 2q31.1.
Variant type: single nucleotide variant.
Coding change: c.2314G>C on transcript NM_004525.3 (MANE Select); coding-DNA position 2314, G replaced by C.
Protein change: p.Gly772Arg; replaces glycine 772 with arginine.
Molecular consequence: missense variant.
Genome position (GRCh38, 1-based): chr2:169,270,910, C>G on the plus strand (G>C on the coding strand, the complement: LRP2 is on the minus strand). VCF-style: chr2-169270910-C-G. GRCh37 (hg19) VCF-style: chr2-170127420-C-G.
Other names: short protein forms G772R.
Identifiers: ClinVar variation 1477160 (VCV001477160.7), dbSNP rs375380592, ClinGen allele CA349161390.